The following continues an entry in ClinVar:

NM_213599.3(ANO5):c.191dup (p.Asn64fs)

Gene: ANO5. ClinVar aggregate classification (germline): Pathogenic. Pathogenic (1).

Submissions 12 to 25 of 44:

Molecular Genetics, Royal Melbourne Hospital
Classification: Pathogenic for Autosomal recessive limb-girdle muscular dystrophy. Last evaluated: 2024-02-05. Review status: criteria provided, single submitter. Criteria: ACMG Guidelines, 2015. Collection method: clinical testing. Allele origin: germline. Inheritance: Autosomal recessive inheritance. Not counted in ClinVar's aggregate classification.
Comment: This sequence change in ANO5 is a frameshift variant predicted to cause a premature stop codon, p.(Asn64Lysfs*15), in biologically relevant exon 5/22 leading to nonsense-mediated decay in a gene in which loss-of-function is an established disease mechanism. The highest population minor allele frequency in the population database gnomAD v4.0 is 0.27% (3,169/1,176,516 alleles, 4 homozygotes) in the European (non-Finnish) population. The variant is recognised to be a Northern European founder mutation for ANO5-related muscle disease and has been detected in the homozygous and compound heterozygous state in multiple affected individuals (PMID: 21186264, 27708273, 25891276). Based on the classification scheme RMH Modified ACMG/AMP Guidelines v1.6.1, this variant is classified as PATHOGENIC. Following criteria are met: PVS1, PM3_VeryStrong.

Baylor Genetics
Classification: Pathogenic for ANO5-related muscular dystrophy. Last evaluated: 2023-08-02. Review status: criteria provided, single submitter. Criteria: ACMG Guidelines, 2015. Collection method: clinical testing. Allele origin: unknown. Not counted in ClinVar's aggregate classification.

3billion
Classification: Pathogenic for Autosomal recessive limb-girdle muscular dystrophy type 2L. Last evaluated: 2023-02-23. Review status: criteria provided, single submitter. Criteria: ACMG Guidelines, 2015. Collection method: clinical testing. Allele origin: unknown. Affected: yes. Not counted in ClinVar's aggregate classification.
Comment: The variant is observed at an extremely low frequency in the gnomAD v2.1.1 dataset (total allele frequency: 0.106%). This variant was predicted to result in a loss or disruption of normal protein function through nonsense-mediated decay (NMD) or protein truncation. Multiple pathogenic variants are reported downstream of the variant. The variant has been reported to be in trans with a pathogenic variant as either compound heterozygous or homozygous in at least 4 similarly affected unrelated individuals (PMID: 22402862, 22980763, 23041008, 23606453, 25891276, 26886200, 27911336). The variant has been reported at least twice as pathogenic with clinical assertions and evidence for the classification (ClinVar ID: VCV000002164 / PMID: 20096397 / 3billion dataset). Therefore, this variant is classified as Pathogenic according to the recommendation of ACMG/AMP guideline.

Dubai Health Genomic Medicine Center, Dubai Health
Classification: Pathogenic. Last evaluated: 2022-12-17. Review status: criteria provided, single submitter. Criteria: ACMG Guidelines, 2015. Collection method: clinical testing. Allele origin: germline. Affected: yes. Not counted in ClinVar's aggregate classification.

Institute of Immunology and Genetics Kaiserslautern
Classification: Pathogenic for Autosomal recessive limb-girdle muscular dystrophy type 2L. Last evaluated: 2022-11-29. Review status: criteria provided, single submitter. Criteria: ACMG Guidelines, 2015. Collection method: clinical testing. Allele origin: germline. Affected: yes. Not counted in ClinVar's aggregate classification.
Comment: ACMG Criteria: PVS1, PS4, PM3, PP5; Variant was found in heterozygous state.

Women's Health and Genetics/Laboratory Corporation of America, LabCorp
Classification: Pathogenic for Autosomal recessive limb-girdle muscular dystrophy. Last evaluated: 2022-10-19. Review status: criteria provided, single submitter. Criteria: LabCorp Variant Classification Summary - May 2015. Collection method: clinical testing. Allele origin: germline. Not counted in ClinVar's aggregate classification.
Comment: Variant summary: ANO5 c.191dupA (p.Asn64LysfsX15) results in a premature termination codon, predicted to cause a truncation of the encoded protein or absence of the protein due to nonsense mediated decay, which are commonly known mechanisms for disease. Truncations downstream of this position have been classified as pathogenic within ClinVar (e.g. c.304_308del [p.Lys102fs], c.835C>T [p.Arg279Ter]). The variant allele was found at a frequency of 0.0011 in 249002 control chromosomes in the gnomAD database, including 2 homozygotes. This frequency is not significantly higher than expected for a pathogenic variant in ANO5 causing Limb-Girdle Muscular Dystrophy, Autosomal Recessive (0.0011 vs 0.0047), allowing no conclusion about variant significance. c.191dupA has been reported in the literature as a biallelic genotype in multiple individuals affected with Limb-Girdle Muscular Dystrophy, Miyoshi Muscular Dystrophy, and Symptomatic/Asymptomatic HyperCKemia among other muscular disorders (e.g. Bolduc_2010, Savarese_2015, Papadopoulos_2017). These data indicate that the variant is very likely to be associated with disease. To our knowledge, no experimental evidence demonstrating an impact on protein function has been reported. Twenty-one ClinVar submitters have assessed the variant since 2014: one classified the variant as likely benign, one as likely pathogenic, and nineteen as pathogenic. Based on the evidence outlined above, the variant was classified as pathogenic.

MGZ Medical Genetics Center
Classification: Pathogenic for Autosomal recessive limb-girdle muscular dystrophy type 2L. Last evaluated: 2022-08-25. Review status: criteria provided, single submitter. Criteria: ACMG Guidelines, 2015. Collection method: clinical testing. Allele origin: germline. Affected: yes. Observed: 13 variant alleles. Not counted in ClinVar's aggregate classification.
Comment: ACMG criteria applied: PVS1, PS4_MOD, PM3, PP1

Mendelics
Classification: Pathogenic for Gnathodiaphyseal dysplasia. Last evaluated: 2022-05-04. Review status: criteria provided, single submitter. Criteria: Mendelics Assertion Criteria 2019. Collection method: clinical testing. Allele origin: germline. Not counted in ClinVar's aggregate classification.

GeneDx
Classification: Pathogenic. Last evaluated: 2022-03-31. Review status: criteria provided, single submitter. Criteria: GeneDx Variant Classification Process June 2021. Collection method: clinical testing. Allele origin: germline. Affected: yes. Not counted in ClinVar's aggregate classification.
Comment: Observed in the heterozygous state without a second variant in multiple individuals from a cohort of patients with limb-girdle muscular dystrophy and/or Miyoshi muscular dystrophy type 3 and related disorders; however, patient-specific data was not provided (Savarese et al., 2015; Sarkozy et al., 2013); Frameshift variant predicted to result in protein truncation or nonsense mediated decay in a gene for which loss-of-function is a known mechanism of disease; This variant is associated with the following publications: (PMID: 26810512, 25864073, 27142102, 26911675, 27708273, 24022920, 24843231, 23530687, 24232312, 21739273, 23607914, 22336395, 20096397, 23041008, 21186264, 26886200, 26913919, 30564623, 29794579, 30919934, 31395899, 31862442, 32403337, 31980526, 32399949, 31127727, 25891276, 34313030, 33837115, 23606453, 34106991, 31589614, 29417091, 32367299, 33258288, 25214167, 32819793, 33726816, 32528171, 32925086)

Institute for Clinical Genetics, University Hospital TU Dresden, University Hospital TU Dresden
Classification: Pathogenic. Last evaluated: 2021-11-03. Review status: criteria provided, single submitter. Criteria: ACMG Guidelines, 2015. Collection method: clinical testing. Allele origin: germline. Not counted in ClinVar's aggregate classification.

Genetics and Molecular Pathology, SA Pathology
Classification: Pathogenic for Autosomal recessive limb-girdle muscular dystrophy type 2L. Last evaluated: 2021-07-29. Review status: criteria provided, single submitter. Criteria: ACMG Guidelines, 2015. Collection method: clinical testing. Allele origin: germline. Affected: yes. Not counted in ClinVar's aggregate classification.

Victorian Clinical Genetics Services, Murdoch Childrens Research Institute
Classification: Pathogenic for Autosomal recessive limb-girdle muscular dystrophy type 2L. Last evaluated: 2021-05-06. Review status: criteria provided, single submitter. Criteria: ACMG Guidelines, 2015. Collection method: clinical testing. Allele origin: germline. Inheritance: Autosomal recessive inheritance. Not counted in ClinVar's aggregate classification.
Comment: Based on the classification scheme VCGS_Germline_v1.3.4, this variant is classified as Pathogenic. Following criteria are met: 0102 - Loss of function is a known mechanism of disease in this gene and is associated with Miyoshi muscular dystrophy (MIM#613319) and muscular dystrophy, limb-girdle (MIM#611307). The mechanism behind gnathodiaphyseal dysplasia (MIM#166260) remains unknown (PMID: 32112655). (I) 0108 - This gene is associated with both recessive and dominant disease. Only missense variants have been reported for gnathodiaphyseal dysplasia (MIM#166260). (I) 0115 - Variants in this gene are known to have variable expressivity (PMID: 22402862). (I) 0201 - Variant is predicted to cause nonsense-mediated decay (NMD) and loss of protein (premature termination codon is located at least 54 nucleotides upstream of the final exon-exon junction). (SP) 0251 - This variant is heterozygous. (I) 0304 - Variant is present in gnomAD <0.01 for a recessive condition (v2: 294 heterozygotes, 2 homozygotes). It is a known founder mutation of the Northern European population (PMID: 21186264). (SP) 0701 - Other NMD-predicted variants comparable to the one identified in this case have very strong previous evidence for pathogenicity (DECIPHER, ClinVar). (SP) 0801 - This variant has strong previous evidence of pathogenicity in unrelated individuals with ANO5-myopathy and has been reported in homozygotes and compound heterozygotes. It has been classified as pathogenic by diagnostic laboratories in ClinVar (PMID: 25891276, 31353849). (SP) 1208 - Inheritance information for this variant is not currently available in this individual. (I) Legend: (SP) - Supporting pathogenic, (I) - Information, (SB) - Supporting benign

Institute of Human Genetics Munich, TUM University Hospital
Classification: Pathogenic for Miyoshi muscular dystrophy 3. Last evaluated: 2021-02-09. Review status: criteria provided, single submitter. Criteria: Classification criteria August 2017. Collection method: clinical testing. Allele origin: germline. Inheritance: Autosomal recessive inheritance. Affected: yes. Observed: 1 variant allele. Not counted in ClinVar's aggregate classification.

Institute of Medical Genetics and Applied Genomics, University Hospital Tübingen
Classification: Pathogenic. Last evaluated: 2020-10-23. Review status: criteria provided, single submitter. Criteria: ACMG Guidelines, 2015. Collection method: clinical testing. Allele origin: germline. Inheritance: Autosomal unknown. Affected: yes. Not counted in ClinVar's aggregate classification.